The following is an entry in ClinVar:

ClinVar aggregate classification (germline): Uncertain significance. Review status: criteria provided, single submitter (1 of 4 stars). 2 submissions from 2 submitters: Uncertain significance (1). 1 of the submissions does not count toward it. Last evaluated 2021-12-03.

Conditions:
GRN-related frontotemporal lobar degeneration with Tdp43 inclusions (FTD2). Also called: DEMENTIA, HEREDITARY DYSPHASIC DISINHIBITION; FRONTOTEMPORAL LOBAR DEGENERATION WITH UBIQUITIN-POSITIVE INCLUSIONS; FTLD-TDP, GRN-RELATED; FRONTOTEMPORAL DEMENTIA WITH TDP43 INCLUSIONS, GRN-RELATED; GRN Frontotemporal Dementia. Identifiers: Orphanet 100070, Orphanet 282, MedGen C1843792, MONDO:0011842, OMIM 607485. Disease mechanism: loss of function.
Neuronal ceroid lipofuscinosis 11. Also called: GRN-Related Neuronal Ceroid-Lipofuscinosis. Identifiers: Orphanet 314629, Orphanet 79262, MedGen C3539123, MONDO:0013866, OMIM 614706.

Submissions (2):

Labcorp Genetics (formerly Invitae), Labcorp
Classification: Uncertain significance for Neuronal ceroid lipofuscinosis 11; GRN-related frontotemporal lobar degeneration with Tdp43 inclusions. Last evaluated: 2021-12-03. Review status: criteria provided, single submitter. Criteria: Invitae Variant Classification Sherloc (09022015). Collection method: clinical testing. Allele origin: germline.
Comment: This sequence change replaces serine, which is neutral and polar, with asparagine, which is neutral and polar, at codon 258 of the GRN protein (p.Ser258Asn). This variant is not present in population databases (gnomAD no frequency). This missense change has been observed in individual(s) with frontotemporal dementia (PMID: 17345602). ClinVar contains an entry for this variant (Variation ID: 98153). Algorithms developed to predict the effect of missense changes on protein structure and function output the following: SIFT: "Tolerated"; PolyPhen-2: "Benign"; Align-GVGD: "Class C0". The asparagine amino acid residue is found in multiple mammalian species, which suggests that this missense change does not adversely affect protein function. In summary, the available evidence is currently insufficient to determine the role of this variant in disease. Therefore, it has been classified as a Variant of Uncertain Significance.

VIB  Department of Molecular Genetics, University of Antwerp
No classification provided. Review status: no classification provided. Collection method: not provided. Allele origin: unknown. Not counted in ClinVar's aggregate classification.

Literature cited by the submitters: PubMed 17345602 (cited by Labcorp Genetics (formerly Invitae), Labcorp).

NM_002087.4(GRN):c.773G>A (p.Ser258Asn)

Gene: GRN (granulin precursor; plus strand). Cytogenetic location: 17q21.31.
Variant type: single nucleotide variant.
Coding change: c.773G>A on transcript NM_002087.4 (MANE Select); coding-DNA position 773, G replaced by A.
Protein change: p.Ser258Asn; replaces serine 258 with asparagine.
Molecular consequence: missense variant.
Genome position (GRCh38, 1-based): chr17:44,351,101, G>A. VCF-style: chr17-44351101-G-A. GRCh37 (hg19) VCF-style: chr17-42428469-G-A.
Other names: short protein forms S258N.
Identifiers: ClinVar variation 98153 (VCV000098153.6), dbSNP rs63751000, ClinGen allele CA225275.